The following is an entry in ClinVar:

ClinVar aggregate classification (germline): Uncertain significance (1 of 4 stars; one submission).

Conditions:
Wilson disease (WND). Also called: Wilson's disease. Identifiers: Orphanet 905, MedGen C0019202, MONDO:0010200, OMIM 277900. Disease mechanism: loss of function.

Submission:

Labcorp Genetics (formerly Invitae), Labcorp
Classification: Uncertain significance for Wilson disease. Last evaluated: 2025-12-04. Review status: criteria provided, single submitter. Criteria: Invitae Variant Classification Sherloc (09022015). Collection method: clinical testing. Allele origin: germline.
Comment: This sequence change replaces isoleucine, which is neutral and non-polar, with threonine, which is neutral and polar, at codon 566 of the ATP7B protein (p.Ile566Thr). This variant is not present in population databases (gnomAD no frequency). This variant has not been reported in the literature in individuals affected with ATP7B-related conditions. Invitae Evidence Modeling of protein sequence and biophysical properties (such as structural, functional, and spatial information, amino acid conservation, physicochemical variation, residue mobility, and thermodynamic stability) indicates that this missense variant is not expected to disrupt ATP7B protein function with a negative predictive value of 80%. In summary, the available evidence is currently insufficient to determine the role of this variant in disease. Therefore, it has been classified as a Variant of Uncertain Significance.

NM_000053.4(ATP7B):c.1697T>C (p.Ile566Thr)

Gene: ATP7B (ATPase copper transporting beta; minus strand). Cytogenetic location: 13q14.3.
Variant type: single nucleotide variant.
Coding change: c.1697T>C on transcript NM_000053.4 (MANE Select); coding-DNA position 1697, T replaced by C.
Protein change: p.Ile566Thr; replaces isoleucine 566 with threonine.
Molecular consequence: missense variant. On other transcripts: intron variant (1).
Genome position (GRCh38, 1-based): chr13:51,968,454, A>G on the plus strand (T>C on the coding strand, the complement: ATP7B is on the minus strand). VCF-style: chr13-51968454-A-G. GRCh37 (hg19) VCF-style: chr13-52542590-A-G.
Other names: c.1601T>C, p.Ile534Thr (NM_001406544.1, NM_001406517.1, NM_001406518.1 and 3 more transcripts); c.1697T>C, p.Ile566Thr (NM_001406545.1, NM_001406546.1, NM_001406547.1 and 26 more transcripts); c.1285+5481T>C (NM_001406548.1); c.1664T>C, p.Ile555Thr (NM_001406514.1, NM_001406524.1); c.1268T>C, p.Ile423Thr (NM_001406539.1); c.1364T>C, p.Ile455Thr (NM_001243182.2); short protein forms I534T, I555T, I566T, I423T, I455T.
Identifiers: ClinVar variation 4752151 (VCV004752151.1).